The following is an entry in ClinVar:

ClinVar aggregate classification (germline): Pathogenic. Review status: criteria provided, multiple submitters, no conflicts (2 of 4 stars). 15 submissions from 14 submitters: Pathogenic (12). 3 of the submissions do not count toward it. Last evaluated 2026-04-20.

Conditions:
Pfeiffer syndrome (ACS5). Also called: ACS V. Identifiers: Orphanet 710, MedGen C0220658, MONDO:0007043, OMIM 101600.
Hypogonadotropic hypogonadism 2 with or without anosmia (HH2). Also called: HYPOGONADOTROPIC HYPOGONADISM 2 WITHOUT ANOSMIA; HYPOGONADOTROPIC HYPOGONADISM 2 WITH OR WITHOUT ANOSMIA, SUSCEPTIBILITY TO; HYPOGONADOTROPIC HYPOGONADISM 2 WITHOUT ANOSMIA, SUSCEPTIBILITY TO; FGFR1-Related GnRH Deficiency (Kallmann Syndrome 2). Identifiers: Orphanet 478, MedGen C1563720, MONDO:0007844, OMIM 147950. Disease mechanism: loss of function.
FGFR1-related disorder. Also called: FGFR1-related condition; FGFR1-related disorders. Identifiers: MedGen CN380097.
Trigonocephaly 1 (TRIGNO1). Identifiers: Orphanet 3366, MedGen C0432122, MONDO:0008603, OMIM 190440.
Jackson-Weiss syndrome (JWS). Also called: CRANIOSYNOSTOSIS, MIDFACIAL HYPOPLASIA, AND FOOT ABNORMALITIES. Identifiers: Orphanet 1540, MedGen C0795998, MONDO:0007400, OMIM 123150. Disease mechanism: loss of function.
Encephalocraniocutaneous lipomatosis (ECCL). Identifiers: Orphanet 2396, MedGen C0406612, MONDO:0013074, OMIM 613001.
Hartsfield-Bixler-Demyer syndrome (HRTFDS). Also called: FGFR1-Related Hartsfield Syndrome; Hartsfield syndrome; Holoprosencephaly, ectrodactyly, and bilateral cleft lip/palate. Identifiers: Orphanet 2117, MedGen C1845146, MONDO:0014196, OMIM 615465. Disease mechanism: loss of function.
Osteoglophonic dysplasia (OGD). Also called: Osteoglophonic dwarfism. Identifiers: Orphanet 2645, MedGen C0432283, MONDO:0008150, OMIM 166250.

Allele frequency attached by ClinVar (database versions not stated): TOPMed below 0.00001; ExAC 0.00001; gnomAD exomes below 0.00001.

Submissions 1 to 9 of 15:

PreventionGenetics, part of Exact Sciences
Classification: Pathogenic for FGFR1-related condition. Last evaluated: 2026-04-20. Review status: criteria provided, single submitter. Criteria: ACMG Guidelines, 2015. Collection method: clinical testing. Allele origin: germline.
Comment: The FGFR1 c.755C>G variant is predicted to result in the amino acid substitution p.Pro252Arg. This variant has been reported to be pathogenic for Pfeiffer syndrome or Muenke syndrome (Roscioli et al. 2013. PubMed ID: 24127277; Bessenyei et al. 2014. PubMed ID: 25251565; Chen et al. 2016. PubMed ID: 27065010). Of note, variable expressivity was reported in families with this variant (Bessenyei et al. 2014. PubMed ID: 25251565; Chen et al. 2016. PubMed ID: 27065010).﻿ This variant is reported in just one of ~249,000 alleles in gnomAD, indicating that it is rare. This variant is interpreted as pathogenic.

Labcorp Genetics (formerly Invitae), Labcorp
Classification: Pathogenic for Pfeiffer syndrome; Hypogonadotropic hypogonadism 2 with or without anosmia. Last evaluated: 2025-06-12. Review status: criteria provided, single submitter. Criteria: Invitae Variant Classification Sherloc (09022015). Collection method: clinical testing. Allele origin: germline.
Comment: This sequence change replaces proline, which is neutral and non-polar, with arginine, which is basic and polar, at codon 252 of the FGFR1 protein (p.Pro252Arg). This variant is present in population databases (rs121909627, gnomAD 0.0009%). This missense change has been observed in individuals with Pfeiffer syndrome (PMID: 7795583, 7874169, 10861678, 14564217, 16957473, 24127277, 24497711, 25251565). It has also been observed to segregate with disease in related individuals. ClinVar contains an entry for this variant (Variation ID: 16279). Invitae Evidence Modeling of protein sequence and biophysical properties (such as structural, functional, and spatial information, amino acid conservation, physicochemical variation, residue mobility, and thermodynamic stability) indicates that this missense variant is not expected to disrupt FGFR1 protein function with a negative predictive value of 80%. Experimental studies have shown that this missense change affects FGFR1 function (PMID: 10942429, 14613973). For these reasons, this variant has been classified as Pathogenic.

Greenwood Genetic Center Diagnostic Laboratories, Greenwood Genetic Center
Classification: Pathogenic for FGFR1-related disorder. Last evaluated: 2024-10-28. Review status: criteria provided, single submitter. Criteria: ACMG Guidelines, 2015. Collection method: clinical testing. Allele origin: germline. Affected: yes.
Comment: PS3, PS4, PM2, PP1, PP2, PP3

Dubai Health Genomic Medicine Center, Dubai Health
Classification: Pathogenic for Hypogonadotropic hypogonadism 2 with or without anosmia. Last evaluated: 2024-10-04. Review status: criteria provided, single submitter. Criteria: ACMG Guidelines, 2015. Collection method: research. Allele origin: germline. Affected: yes.
Comment: PS3,PS4,PP1,PP3

GeneDx
Classification: Pathogenic. Last evaluated: 2022-03-08. Review status: criteria provided, single submitter. Criteria: GeneDx Variant Classification Process June 2021. Collection method: clinical testing. Allele origin: germline. Affected: yes.
Comment: Published functional studies demonstrate a damaging effect with a significantly increased bindings affinity for endogenous ligands; additionally functional studies in an animal model demonstrate a damaging effect potentially via aberrant activation of downstream target Cbfa1 (Ibrahimi et al., 2004; Zhou et al., 2000); Not observed at a significant frequency in large population cohorts (gnomAD); In silico analysis supports that this missense variant has a deleterious effect on protein structure/function; This variant is associated with the following publications: (PMID: 23329143, 27065010, 7795583, 24127277, 10861678, 14564217, 7874169, 16957473, 24497711, 10942429, 31837199, 31016899, 32510873, 31167513, 32139749, 30207415, 34159400, 31785789, 14613973, 25251565)

Victorian Clinical Genetics Services, Murdoch Childrens Research Institute
Classification: Pathogenic for Jackson-Weiss syndrome. Last evaluated: 2022-02-02. Review status: criteria provided, single submitter. Criteria: ACMG Guidelines, 2015. Collection method: clinical testing. Allele origin: germline. Inheritance: Autosomal dominant inheritance. Affected: yes.
Comment: Based on the classification scheme VCGS_Germline_v1.3.4, this variant is classified as Pathogenic. Following criteria are met: 0103 - Loss of function and gain of function are known mechanisms of disease in this gene and are associated with FGFR1-related disease. Loss of function missense variants and variants predicted to undergo nonsense-mediated decay have been reported to cause Hartsfield syndrome (MIM#615465) and hypogonadotropic hypogonadism-2 [HH2] (MIM#147950). Gain of function missense variants have been reported to cause encephalocraniocutaneous lipomatosis, somatic mosaic (MIM#613001) and osteoglophonic dysplasia (MIM#166250). Additional missense variants have been reported in patients with Jackson-Weiss syndrome (MIM#123150), Pfeiffer syndrome (MIM#101600) or trigonocephaly 1 (MIM#190440) however, the mechanism of these variants is unknown (OMIM, PMID: 18034870, 23812909, 26942290). (I) 0107 - This gene is associated with autosomal dominant disease. Biallelic missense variants have been rarely reported in patients with Hartsfield syndrome (PMID: 23812909). (I) 0115 - Variants in this gene are known to have variable expressivity in patients with HH2 (PMID: 18034870). (I) 0200 - Variant is predicted to result in a missense amino acid change from proline to arginine. (I) 0251 - This variant is heterozygous. (I) 0302 - Variant is present in gnomAD (v2) <0.001 for a dominant condition (1 heterozygote, 0 homozygotes). (SP) 0501 - Missense variant consistently predicted to be damaging by multiple in silico tools or highly conserved with a major amino acid change. (SP) 0604 - Variant is not located in an established domain, motif, hotspot or informative constraint region. (I) 0801 - This variant has strong previous evidence of pathogenicity in unrelated individuals. This variant has been observed in over ten individuals with FGFR1-related conditions. It has mainly been reported in individuals with Pfeiffer syndrome (MIM#101600) but has been observed in one individual with Jackson-Weiss syndrome (MIM#123150) (ClinVar, LOVD, DECIPHER, PMIDs: 24127277, 31837199, 1456217, 10861678). (SP) 1208 - Inheritance information for this variant is not currently available in this individual. (I) Legend: (SP) - Supporting pathogenic, (I) - Information, (SB) - Supporting benign

Blueprint Genetics
Classification: Pathogenic for FGFR1-related disorders. Last evaluated: 2021-12-20. Review status: criteria provided, single submitter. Criteria: ACMG Guidelines, 2015. Collection method: clinical testing. Allele origin: germline. Affected: yes. Observed: 3 variant alleles.

HudsonAlpha Institute for Biotechnology
Classification: Pathogenic for Pfeiffer syndrome. Last evaluated: 2021-08-27. Review status: criteria provided, single submitter. Criteria: ACMG Guidelines, 2015. Collection method: research. Allele origin: maternal. Affected: yes. Observed: 1 variant allele. Study: CSER-SouthSeq.
Comment: ACMG codes: PS3; PS4; PM2; PP1; PP3; PP5

Fulgent Genetics
Classification: Pathogenic for Pfeiffer syndrome; Jackson-Weiss syndrome; Hypogonadotropic hypogonadism 2 with or without anosmia; Osteoglophonic dysplasia; Trigonocephaly 1; Encephalocraniocutaneous lipomatosis; Hartsfield-Bixler-Demyer syndrome. Last evaluated: 2021-07-17. Review status: criteria provided, single submitter. Criteria: ACMG Guidelines, 2015. Collection method: clinical testing. Allele origin: unknown.

NM_023110.3(FGFR1):c.755C>G (p.Pro252Arg)

Gene: FGFR1 (fibroblast growth factor receptor 1; minus strand). Cytogenetic location: 8p11.23.
Variant type: single nucleotide variant.
Coding change: c.755C>G on transcript NM_023110.3 (MANE Select); coding-DNA position 755, C replaced by G.
Protein change: p.Pro252Arg; replaces proline 252 with arginine.
Molecular consequence: missense variant.
Genome position (GRCh38, 1-based): chr8:38,424,690, G>C on the plus strand (C>G on the coding strand, the complement: FGFR1 is on the minus strand). VCF-style: chr8-38424690-G-C. GRCh37 (hg19) VCF-style: chr8-38282208-G-C.
Other names: c.755C>G, p.Pro252Arg (NM_001174063.2); c.731C>G, p.Pro244Arg (NM_001174064.2); c.749C>G, p.Pro250Arg (NM_001174065.2, NM_001354367.2, NM_001354369.2 and 1 more transcripts); c.488C>G, p.Pro163Arg (NM_001174066.2, NM_023105.3); c.848C>G, p.Pro283Arg (NM_001174067.2); c.482C>G, p.Pro161Arg (NM_001354368.2, NM_001354370.2, NM_023106.3); short protein forms P252R, P244R, P250R, P283R, P161R, P163R.
Identifiers: ClinVar variation 16279 (VCV000016279.61), dbSNP rs121909627, ClinGen allele CA280217.
Genomic context (GRCh38, chr8:38,424,690, plus strand): 5'-TTGCTACCCAGGGCCACTGTTTTGTTGGCGGGCAACCCTGCTTGCAGGATGGGCCGGTGA[G>C]GGGACCGCTCTGTGGAAGATGGGAGAGGAGGCACTTGTCATGGGGACCTTGCCATGGCTA-3'
Protein context (NP_075598.2, residues 242-262): TYQLDVVERS[Pro252Arg]HRPILQAGLP